The following is an entry in ClinVar:

NM_000051.4(ATM):c.5502A>G (p.Lys1834=)

Gene: ATM (ATM serine/threonine kinase; plus strand). Cytogenetic location: 11q22.3.
Variant type: single nucleotide variant.
Coding change: c.5502A>G on transcript NM_000051.4 (MANE Select); coding-DNA position 5502, A replaced by G.
Protein change: p.Lys1834=; no amino-acid change (lysine 1834 retained).
Molecular consequence: synonymous variant.
Genome position (GRCh38, 1-based): chr11:108,304,680, A>G. VCF-style: chr11-108304680-A-G. GRCh37 (hg19) VCF-style: chr11-108175407-A-G.
Other names: c.5502A>G, p.Lys1834= (NM_001351834.2).
Identifiers: ClinVar variation 2840179 (VCV002840179.5), dbSNP rs2083590541, ClinGen allele CA476675104.

ClinVar aggregate classification (germline): Benign/Likely benign. Review status: criteria provided, multiple submitters, no conflicts (2 of 4 stars). 3 submissions from 3 submitters: Benign (1); Likely benign (2). Last evaluated 2025-07-22.

Conditions:
Hereditary cancer-predisposing syndrome. Also called: Hereditary Cancer Syndrome; Hereditary neoplastic syndrome; Neoplastic Syndromes, Hereditary; Tumor predisposition. Identifiers: Orphanet 140162, MedGen C0027672, MeSH D009386, MONDO:0015356.
Ataxia-telangiectasia syndrome (AT). Also called: Cerebello-oculocutaneous telangiectasia; Immunodeficiency with ataxia telangiectasia; Ataxia-telangiectasia, complementation group E; Ataxia-telangiectasia, complementation group D; LOUIS-BAR SYNDROME; AT, COMPLEMENTATION GROUP C. Identifiers: Orphanet 100, MedGen C0004135, MONDO:0008840, OMIM 208900.
Familial cancer of breast. Also called: BREAST CANCER, FAMILIAL; Hereditary breast cancer; hereditary breast carcinoma. Identifiers: Orphanet 227535, MedGen C0346153, MONDO:0016419, OMIM 114480. Disease mechanism: loss of function.

Allele frequency attached by ClinVar (database versions not stated): gnomAD exomes below 0.00001; TOPMed below 0.00001; gnomAD 0.00001.
gnomAD v4.1: 2 of 1,613,634 alleles (0.00012%); highest among the groups gnomAD compares: South Asian, 0.0022%; no homozygotes.

Submissions (3):

Ambry Genetics
Classification: Likely benign for Hereditary cancer-predisposing syndrome. Last evaluated: 2025-07-22. Review status: criteria provided, single submitter. Criteria: Ambry Variant Classification Scheme 2023. Collection method: clinical testing. Allele origin: germline.

Myriad Genetics, Inc.
Classification: Benign for Familial cancer of breast. Last evaluated: 2024-05-23. Review status: criteria provided, single submitter. Criteria: Myriad Autosomal Dominant, Autosomal Recessive and X-Linked Classification Criteria (2023). Collection method: clinical testing. Allele origin: unknown.
Comment: This variant is considered benign. This variant is a silent/synonymous amino acid change and it is not expected to impact splicing.

Labcorp Genetics (formerly Invitae), Labcorp
Classification: Likely benign for Ataxia-telangiectasia syndrome. Last evaluated: 2023-02-23. Review status: criteria provided, single submitter. Criteria: Invitae Variant Classification Sherloc (09022015). Collection method: clinical testing. Allele origin: germline.